The following is an entry in ClinVar:

NM_000117.3(EMD):c.41C>A (p.Thr14Asn)

Gene: EMD (emerin; plus strand). Cytogenetic location: Xq28.
Variant type: single nucleotide variant.
Coding change: c.41C>A on transcript NM_000117.3 (MANE Select); coding-DNA position 41, C replaced by A.
Protein change: p.Thr14Asn; replaces threonine 14 with asparagine.
Molecular consequence: missense variant.
Genome position (GRCh38, 1-based): chrX:154,379,525, C>A. VCF-style: chrX-154379525-C-A. GRCh37 (hg19) VCF-style: chrX-153607885-C-A.
Other names: short protein forms T14N.
Identifiers: ClinVar variation 2896870 (VCV002896870.1), dbSNP rs1429597161, ClinGen allele CA415256974.

ClinVar aggregate classification (germline): Uncertain significance (1 of 4 stars; one submission).

Conditions:
X-linked Emery-Dreifuss muscular dystrophy. Also called: Muscular dystrophy, tardive Emery-Dreifuss type, with contractures. Identifiers: Orphanet 261, Orphanet 98863, MedGen C0751337, MONDO:0010680.

Submission:

Labcorp Genetics (formerly Invitae), Labcorp
Classification: Uncertain significance for X-linked Emery-Dreifuss muscular dystrophy. Last evaluated: 2023-05-02. Review status: criteria provided, single submitter. Criteria: Invitae Variant Classification Sherloc (09022015). Collection method: clinical testing. Allele origin: germline.
Comment: In summary, the available evidence is currently insufficient to determine the role of this variant in disease. Therefore, it has been classified as a Variant of Uncertain Significance. Advanced modeling of protein sequence and biophysical properties (such as structural, functional, and spatial information, amino acid conservation, physicochemical variation, residue mobility, and thermodynamic stability) performed at Invitae indicates that this missense variant is not expected to disrupt EMD protein function. This variant has not been reported in the literature in individuals affected with EMD-related conditions. This variant is not present in population databases (gnomAD no frequency). This sequence change replaces threonine, which is neutral and polar, with asparagine, which is neutral and polar, at codon 14 of the EMD protein (p.Thr14Asn).